The following is an entry in ClinVar:

ClinVar aggregate classification (germline): Pathogenic (1 of 4 stars; one submission).

Conditions:
Hereditary breast ovarian cancer syndrome. Also called: Hereditary breast and ovarian cancer syndrome (HBOC); Hereditary breast and ovarian cancer syndrome; Breast and ovarian cancer; BRCA1- and BRCA2-Associated Hereditary Breast and Ovarian Cancer; Hereditary breast and ovarian cancer; Hereditary breast and/or ovarian cancer syndrome. Identifiers: Orphanet 145, MedGen C0677776, MeSH D061325, MONDO:0003582. Disease mechanism: loss of function.

Submission:

Labcorp Genetics (formerly Invitae), Labcorp
Classification: Pathogenic for Hereditary breast ovarian cancer syndrome. Last evaluated: 2025-06-02. Review status: criteria provided, single submitter. Criteria: Invitae Variant Classification Sherloc (09022015). Collection method: clinical testing. Allele origin: germline.
Comment: This sequence change creates a premature translational stop signal (p.Glu1213Lysfs*15) in the BRCA2 gene. It is expected to result in an absent or disrupted protein product. Loss-of-function variants in BRCA2 are known to be pathogenic (PMID: 20104584). This variant is not present in population databases (gnomAD no frequency). This premature translational stop signal has been observed in individual(s) with BRCA2-related conditions (PMID: 32341426). ClinVar contains an entry for this variant (Variation ID: 266763). For these reasons, this variant has been classified as Pathogenic.

Literature cited by the submitters: PubMed 20104584; PubMed 32341426.

NM_000059.4(BRCA2):c.3637_3641delinsAAGG (p.Glu1213fs)

Gene: BRCA2 (BRCA2 DNA repair associated; plus strand). Cytogenetic location: 13q13.1.
Variant type: Indel.
Coding change: c.3637_3641delinsAAGG on transcript NM_000059.4 (MANE Select); coding-DNA positions 3637 to 3641, GAAGT replaced by AAGG.
Protein change: p.Glu1213fs; shifts the reading frame from glutamic acid 1213.
Molecular consequence: frameshift variant. On other transcripts: non-coding transcript variant (1), intron variant (2).
Genome position (GRCh38, 1-based): chr13:32,337,992-32,337,996, GAAGT replaced by AAGG. VCF-style: chr13-32337992-GAAGT-AAGG. GRCh37 (hg19) VCF-style: chr13-32912129-GAAGT-AAGG.
Other names: c.3637_3641delinsAAGG, p.Glu1213fs (NM_001406719.1, NM_001406720.1); c.1909+4605_1909+4609delinsAAGG (NM_001406721.1); c.425-6566_425-6562delinsAAGG (NM_001406722.1); short protein forms E1213fs.
Identifiers: ClinVar variation 2850570 (VCV002850570.3), dbSNP rs2548526468, ClinGen allele CA2695218189.